The following is an entry in ClinVar:

ClinVar aggregate classification (germline): Uncertain significance. Review status: criteria provided, multiple submitters, no conflicts (2 of 4 stars). 3 submissions from 3 submitters: Uncertain significance (3). Last evaluated 2025-11-19.

Conditions:
Ullrich congenital muscular dystrophy 2 (UCMD2). Identifiers: Orphanet 75840, MedGen C4225314, MONDO:0014654, OMIM 616470.
Bethlem myopathy 2 (BTHLM2). Identifiers: Orphanet 536516, Orphanet 610, MedGen C4225313, MONDO:0034022, OMIM 616471.
COL12A1-related disorder. Also called: COL12A1-related condition.

Allele frequency attached by ClinVar (database versions not stated): gnomAD exomes below 0.00001.
gnomAD v4.1: 1 of 1,563,816 alleles (0.000064%); highest among the groups gnomAD compares: Non-Finnish European, 0.000086%; no homozygotes.

Submissions (3):

GeneDx
Classification: Uncertain significance. Last evaluated: 2025-11-19. Review status: criteria provided, single submitter. Criteria: GeneDx Variant Classification Process June 2021. Collection method: clinical testing. Allele origin: germline. Affected: yes.
Comment: In silico analysis supports that this missense variant has a deleterious effect on protein structure/function; Not observed at significant frequency in large population cohorts (gnomAD); Has not been previously published as pathogenic or benign to our knowledge

Labcorp Genetics (formerly Invitae), Labcorp
Classification: Uncertain significance for Bethlem myopathy 2; Ullrich congenital muscular dystrophy 2. Last evaluated: 2025-01-23. Review status: criteria provided, single submitter. Criteria: Invitae Variant Classification Sherloc (09022015). Collection method: clinical testing. Allele origin: germline.
Comment: This sequence change replaces glycine, which is neutral and non-polar, with arginine, which is basic and polar, at codon 2798 of the COL12A1 protein (p.Gly2798Arg). This variant is not present in population databases (gnomAD no frequency). This variant has not been reported in the literature in individuals affected with COL12A1-related conditions. ClinVar contains an entry for this variant (Variation ID: 663213). Invitae Evidence Modeling of protein sequence and biophysical properties (such as structural, functional, and spatial information, amino acid conservation, physicochemical variation, residue mobility, and thermodynamic stability) indicates that this missense variant is not expected to disrupt COL12A1 protein function with a negative predictive value of 80%. In summary, the available evidence is currently insufficient to determine the role of this variant in disease. Therefore, it has been classified as a Variant of Uncertain Significance.

PreventionGenetics, part of Exact Sciences
Classification: Uncertain significance for COL12A1-related condition. Last evaluated: 2024-10-09. Review status: criteria provided, single submitter. Criteria: ACMG Guidelines, 2015. Collection method: clinical testing. Allele origin: germline.
Comment: The COL12A1 c.8392G>A variant is predicted to result in the amino acid substitution p.Gly2798Arg. To our knowledge, this variant has not been reported in the literature or in a large population database (gnomAD), indicating this variant is rare. At this time, the clinical significance of this variant is uncertain due to the absence of conclusive functional and genetic evidence.

NM_004370.6(COL12A1):c.8392G>A (p.Gly2798Arg)

Gene: COL12A1 (collagen type XII alpha 1 chain; minus strand). Cytogenetic location: 6q13.
Variant type: single nucleotide variant.
Coding change: c.8392G>A on transcript NM_004370.6 (MANE Select); coding-DNA position 8392, G replaced by A.
Protein change: p.Gly2798Arg; replaces glycine 2798 with arginine.
Molecular consequence: missense variant.
Genome position (GRCh38, 1-based): chr6:75,102,620, C>T on the plus strand (G>A on the coding strand, the complement: COL12A1 is on the minus strand). VCF-style: chr6-75102620-C-T. GRCh37 (hg19) VCF-style: chr6-75812336-C-T.
Other names: c.4900G>A, p.Gly1634Arg (NM_080645.3); short protein forms G1634R, G2798R.
Identifiers: ClinVar variation 663213 (VCV000663213.14), dbSNP rs1582050802, ClinGen allele CA364739491.